The following is an entry in ClinVar:

ClinVar aggregate classification (germline): Pathogenic (1 of 4 stars; one submission).

Conditions:
Hypogonadotropic hypogonadism 2 with or without anosmia (HH2). Also called: HYPOGONADOTROPIC HYPOGONADISM 2 WITHOUT ANOSMIA; FGFR1-Related GnRH Deficiency (Kallmann Syndrome 2); HYPOGONADOTROPIC HYPOGONADISM 2 WITH OR WITHOUT ANOSMIA, SUSCEPTIBILITY TO; HYPOGONADOTROPIC HYPOGONADISM 2 WITHOUT ANOSMIA, SUSCEPTIBILITY TO. Identifiers: Orphanet 478, MedGen C1563720, MONDO:0007844, OMIM 147950. Disease mechanism: loss of function.
Pfeiffer syndrome (ACS5). Also called: ACS V. Identifiers: Orphanet 710, MedGen C0220658, MONDO:0007043, OMIM 101600.

Submission:

Labcorp Genetics (formerly Invitae), Labcorp
Classification: Pathogenic for Pfeiffer syndrome; Hypogonadotropic hypogonadism 2 with or without anosmia. Last evaluated: 2021-10-20. Review status: criteria provided, single submitter. Criteria: Invitae Variant Classification Sherloc (09022015). Collection method: clinical testing. Allele origin: germline.
Comment: For these reasons, this variant has been classified as Pathogenic. This variant has not been reported in the literature in individuals affected with FGFR1-related conditions. This variant is a gross deletion of the genomic region encompassing exon(s) 2 of the FGFR1 gene, which includes the initiator codon. This deletion extends beyond the assayed region for this gene and therefore may encompass additional genes. It is expected to result in an absent or disrupted protein product. Loss-of-function variants in FGFR1 are known to be pathogenic (PMID: 12627230).

Literature cited by the submitters: PubMed 12627230.

NC_000008.10:g.(?_38314854)_(38314964_?)del

Gene: FGFR1 (fibroblast growth factor receptor 1; minus strand). Cytogenetic location: 8p11.22.
Variant type: Deletion.
Identifiers: ClinVar variation 2426796 (VCV002426796.4).